The following is an entry in ClinVar:

NM_001458.5(FLNC):c.2059C>T (p.Pro687Ser)

Gene: FLNC (filamin C; plus strand). Cytogenetic location: 7q32.1.
Variant type: single nucleotide variant.
Coding change: c.2059C>T on transcript NM_001458.5 (MANE Select); coding-DNA position 2059, C replaced by T.
Protein change: p.Pro687Ser; replaces proline 687 with serine.
Molecular consequence: missense variant.
Genome position (GRCh38, 1-based): chr7:128,841,505, C>T. VCF-style: chr7-128841505-C-T. GRCh37 (hg19) VCF-style: chr7-128481559-C-T.
Other names: c.2059C>T, p.Pro687Ser (NM_001127487.2); short protein forms P687S.
Identifiers: ClinVar variation 1946760 (VCV001946760.5), dbSNP rs1171609113, ClinGen allele CA369227876.

ClinVar aggregate classification (germline): Uncertain significance (1 of 4 stars; one submission).

Conditions:
Myofibrillar myopathy 5. Also called: Filaminopathy (type); FILAMINOPATHY, AUTOSOMAL DOMINANT. Identifiers: Orphanet 171445, MedGen C1836050, MONDO:0012289, OMIM 609524.
Hypertrophic cardiomyopathy 26. Also called: Cardiomyopathy, familial hypertrophic, 26. Identifiers: Orphanet 75249, MedGen C4310749, MONDO:0014883, OMIM 617047.
Distal myopathy with posterior leg and anterior hand involvement. Also called: WILLIAMS DISTAL MYOPATHY. Identifiers: Orphanet 63273, MedGen C3279722, MONDO:0013550, OMIM 614065.

Allele frequency attached by ClinVar (database versions not stated): gnomAD exomes below 0.00001; TOPMed below 0.00001; gnomAD 0.00001.
gnomAD v4.1: 3 of 1,614,074 alleles (0.00019%); highest among the groups gnomAD compares: East Asian, 0.0045%; no homozygotes.

Submission:

Labcorp Genetics (formerly Invitae), Labcorp
Classification: Uncertain significance for Distal myopathy with posterior leg and anterior hand involvement; Myofibrillar myopathy 5; Hypertrophic cardiomyopathy 26. Last evaluated: 2025-07-31. Review status: criteria provided, single submitter. Criteria: Invitae Variant Classification Sherloc (09022015). Collection method: clinical testing. Allele origin: germline.
Comment: This sequence change replaces proline, which is neutral and non-polar, with serine, which is neutral and polar, at codon 687 of the FLNC protein (p.Pro687Ser). This variant is present in population databases (no rsID available, gnomAD 0.003%). This variant has not been reported in the literature in individuals affected with FLNC-related conditions. ClinVar contains an entry for this variant (Variation ID: 1946760). Invitae Evidence Modeling of protein sequence and biophysical properties (such as structural, functional, and spatial information, amino acid conservation, physicochemical variation, residue mobility, and thermodynamic stability) has been performed for this missense variant. However, the output from this modeling did not meet the statistical confidence thresholds required to predict the impact of this variant on FLNC protein function. In summary, the available evidence is currently insufficient to determine the role of this variant in disease. Therefore, it has been classified as a Variant of Uncertain Significance.